The following is an entry in ClinVar:

NM_004247.4(EFTUD2):c.1860+3A>G

Gene: EFTUD2 (elongation factor Tu GTP binding domain containing 2; minus strand). Cytogenetic location: 17q21.31.
Variant type: single nucleotide variant.
Coding change: c.1860+3A>G on transcript NM_004247.4 (MANE Select); 3 bases into the intron after coding-DNA position 1860, A replaced by G.
Molecular consequence: intron variant.
Genome position (GRCh38, 1-based): chr17:44,859,902, T>C on the plus strand (A>G on the coding strand, the complement: EFTUD2 is on the minus strand). VCF-style: chr17-44859902-T-C. GRCh37 (hg19) VCF-style: chr17-42937270-T-C.
Other names: c.1755+3A>G (NM_001142605.2); c.1830+3A>G (NM_001258354.2); c.1860+3A>G (NM_001258353.2).
Identifiers: ClinVar variation 2765129 (VCV002765129.3), dbSNP rs2508751234, ClinGen allele CA2697560392.

ClinVar aggregate classification (germline): Uncertain significance (1 of 4 stars; one submission).

Submission:

Labcorp Genetics (formerly Invitae), Labcorp
Classification: Uncertain significance. Last evaluated: 2023-10-09. Review status: criteria provided, single submitter. Criteria: Invitae Variant Classification Sherloc (09022015). Collection method: clinical testing. Allele origin: germline.
Comment: This sequence change falls in intron 18 of the EFTUD2 gene. It does not directly change the encoded amino acid sequence of the EFTUD2 protein. It affects a nucleotide within the consensus splice site. This variant is not present in population databases (gnomAD no frequency). This variant has not been reported in the literature in individuals affected with EFTUD2-related conditions. Variants that disrupt the consensus splice site are a relatively common cause of aberrant splicing (PMID: 17576681, 9536098). Algorithms developed to predict the effect of sequence changes on RNA splicing suggest that this variant may create or strengthen a splice site. In summary, the available evidence is currently insufficient to determine the role of this variant in disease. Therefore, it has been classified as a Variant of Uncertain Significance.

Literature cited by the submitters: PubMed 17576681; PubMed 9536098.